The following is an entry in ClinVar:

ClinVar aggregate classification (germline): Likely benign. Review status: criteria provided, single submitter (1 of 4 stars). 2 submissions from 2 submitters: Likely benign (1). 1 of the submissions does not count toward it. Last evaluated 2026-02-01.

Conditions:
Citrin deficiency. Identifiers: Orphanet 247582, MedGen C1997910, MONDO:0016602.
SLC25A13-related disorder. Also called: SLC25A13-related condition.

Allele frequency attached by ClinVar (database versions not stated): gnomAD 0.00006; TOPMed 0.00006.
gnomAD v4.1: 22 of 1,613,990 alleles (0.0014%); highest among the groups gnomAD compares: African/African-American, 0.024%; no homozygotes.

Submissions (2):

Labcorp Genetics (formerly Invitae), Labcorp
Classification: Likely benign for Citrin deficiency. Last evaluated: 2026-02-01. Review status: criteria provided, single submitter. Criteria: Invitae Variant Classification Sherloc (09022015). Collection method: clinical testing. Allele origin: germline.

PreventionGenetics, part of Exact Sciences
Classification: Likely benign for SLC25A13-related condition. Last evaluated: 2024-01-31. Review status: no assertion criteria provided. Collection method: clinical testing. Allele origin: germline. Not counted in ClinVar's aggregate classification.
Comment: This variant is classified as likely benign based on ACMG/AMP sequence variant interpretation guidelines (Richards et al. 2015 PMID: 25741868, with internal and published modifications).

NM_014251.3(SLC25A13):c.534C>T (p.Val178=)

Gene: SLC25A13 (solute carrier family 25 member 13; minus strand). Cytogenetic location: 7q21.3.
Variant type: single nucleotide variant.
Coding change: c.534C>T on transcript NM_014251.3 (MANE Select); coding-DNA position 534, C replaced by T.
Protein change: p.Val178=; no amino-acid change (valine 178 retained).
Molecular consequence: synonymous variant. On other transcripts: non-coding transcript variant (1).
Genome position (GRCh38, 1-based): chr7:96,193,118, G>A on the plus strand (C>T on the coding strand, the complement: SLC25A13 is on the minus strand). VCF-style: chr7-96193118-G-A. GRCh37 (hg19) VCF-style: chr7-95822430-G-A.
Other names: c.534C>T, p.Val178= (NM_001160210.2); c.534C>T (NM_014251.2).
Identifiers: ClinVar variation 1105608 (VCV001105608.11), dbSNP rs776288888, ClinGen allele CA4353232.
Genomic context (GRCh38, chr7:96,193,118, plus strand): 5'-AAAAGGAGTCAAGACATGGGGGCGGATGGTGACCATGATGTCTCGGAAGTCGATGGCTGT[G>A]ACTCTCCCAGTCCTAGCATTGTCCCGTTGCACAAAGGCTTGCTTTGCGTGCTCCAGTTGT-3'
Protein context (NP_055066.1, residues 168-188): VQRDNARTGR[Val178=]TAIDFRDIMV